The following is an entry in ClinVar:

ClinVar aggregate classification (germline): Conflicting classifications of pathogenicity. Review status: criteria provided, conflicting classifications (1 of 4 stars). 4 submissions from 4 submitters: Uncertain significance (1); Benign (1); Likely benign (2). Last evaluated 2025-12-26.

Conditions:
Primary familial hypertrophic cardiomyopathy (HCM). Identifiers: Orphanet 99739, MedGen C0949658, MeSH D024741, MONDO:0024573. Inheritance: Various modes of inheritance.

Allele frequency attached by ClinVar (database versions not stated): ESP Exome Variant Server 0.00008; TOPMed 0.00011; ExAC 0.00035; gnomAD 0.00048 and 0.00049.
gnomAD v4.1: 402 of 1,614,142 alleles (0.025%); highest among the groups gnomAD compares: Non-Finnish European, 0.017%; no homozygotes.

Submissions (4):

Labcorp Genetics (formerly Invitae), Labcorp
Classification: Benign for Primary familial hypertrophic cardiomyopathy. Last evaluated: 2025-12-26. Review status: criteria provided, single submitter. Criteria: Invitae Variant Classification Sherloc (09022015). Collection method: clinical testing. Allele origin: germline.

Blueprint Genetics
Classification: Likely benign. Last evaluated: 2024-11-08. Review status: criteria provided, single submitter. Criteria: ACMG Guidelines, 2015. Collection method: clinical testing. Allele origin: germline.

GeneDx
Classification: Likely benign. Last evaluated: 2020-03-11. Review status: criteria provided, single submitter. Criteria: GeneDx Variant Classification Process June 2021. Collection method: clinical testing. Allele origin: germline. Affected: yes.
Comment: This variant is associated with the following publications: (PMID: 28831623, 27662471, 27016271)

ARUP Laboratories, Molecular Genetics and Genomics, ARUP Laboratories
Classification: Uncertain significance. Last evaluated: 2017-10-22. Review status: criteria provided, single submitter. Criteria: ARUP Molecular Germline Variant Investigation Process. Collection method: clinical testing. Allele origin: germline.
Comment: The p.Leu53Met variant (rs200336608) was reported in one family investigated for dilated cardiomyopathy (DCM); however this variant did not segregate with affected individuals (Begay, 2016). This variant is listed in the Genome Aggregation Database (gnomAD) with a population frequency of 0.3 percent in the European Finnish population (identified on 82 out of 25,792 chromosomes), and has been reported to the ClinVar database as a variant of uncertain significance (Variation ID: 180371). The leucine at position 53 is highly conserved considering 13 species (Alamut v2.10) and computational analyses of the p.Leu53Met variant on protein structure and function indicate a deleterious effect (SIFT: damaging, MutationTaster: disease causing, PolyPhen-2: probably damaging). Altogether, there is not enough evidence to classify the p.Leu53Met variant with certainty.

NM_004517.4(ILK):c.157T>A (p.Leu53Met)

Genes: ILK (integrin linked kinase; plus strand), TAF10 (TATA-box binding protein associated factor 10; minus strand). Cytogenetic location: 11p15.4.
Variant type: single nucleotide variant.
Coding change: c.157T>A on transcript NM_004517.4 (MANE Select); coding-DNA position 157, T replaced by A.
Protein change: p.Leu53Met; replaces leucine 53 with methionine.
Molecular consequence: missense variant. On other transcripts: 3 prime UTR variant (1), intron variant (1).
Genome position (GRCh38, 1-based): chr11:6,608,113, T>A. VCF-style: chr11-6608113-T-A. GRCh37 (hg19) VCF-style: chr11-6629343-T-A.
Other names: p.L53M:TTG>ATG; c.157T>A, p.Leu53Met (NM_001014794.3, NM_001014795.3, NM_001278441.2); c.*2809A>T (NM_006284.4); c.-147-281T>A (NM_001278442.2); short protein forms L53M.
Identifiers: ClinVar variation 180371 (VCV000180371.24), dbSNP rs200336608, ClinGen allele CA335192.